The following is an entry in ClinVar:

ClinVar aggregate classification (germline): Pathogenic (1 of 4 stars; one submission).

Conditions:
Osteogenesis imperfecta type I (OI1). Also called: OI, TYPE I; OSTEOGENESIS IMPERFECTA TARDA; OSTEOGENESIS IMPERFECTA WITH BLUE SCLERAE; Lobstein disease; Osteogenesis imperfecta type 1; Lobstein's Disease. Identifiers: Orphanet 216796, Orphanet 666, MedGen C0023931, MONDO:0008146, OMIM 166200. Disease mechanism: loss of function.

Submission:

Labcorp Genetics (formerly Invitae), Labcorp
Classification: Pathogenic for Osteogenesis imperfecta type I. Last evaluated: 2020-09-01. Review status: criteria provided, single submitter. Criteria: Invitae Variant Classification Sherloc (09022015). Collection method: clinical testing. Allele origin: germline.
Comment: This sequence change creates a premature translational stop signal (p.Lys862Argfs*50) in the COL1A1 gene. It is expected to result in an absent or disrupted protein product. This variant is not present in population databases (ExAC no frequency). This variant has not been reported in the literature in individuals with COL1A1-related conditions. Loss-of-function variants in COL1A1 are known to be pathogenic (PMID: 7942841, 9295084, 9443882). For these reasons, this variant has been classified as Pathogenic.

Literature cited by the submitters: PubMed 7942841; PubMed 9295084; PubMed 9443882.

NM_000088.4(COL1A1):c.2585_2586del (p.Lys862fs)

Gene: COL1A1 (collagen type I alpha 1 chain; minus strand). Cytogenetic location: 17q21.33.
Variant type: Deletion.
Coding change: c.2585_2586del on transcript NM_000088.4 (MANE Select); coding-DNA positions 2585 to 2586, 2 bases deleted (AA; older notation c.2585_2586delAA).
Protein change: p.Lys862fs; shifts the reading frame from lysine 862.
Molecular consequence: frameshift variant.
Genome position (GRCh38, 1-based): chr17:50,189,886-50,189,887, TT deleted on the plus strand (AA on the coding strand, the reverse complement: COL1A1 is on the minus strand); deleting any 2 consecutive bases within chr17:50,189,886-50,189,888 gives the same sequence; the c. name uses the placement nearest the transcript's 3' end. VCF-style (leftmost placement, unchanged base first): chr17-50189885-CTT-C. GRCh37 (hg19) VCF-style: chr17-48267246-CTT-C.
Other names: short protein forms K862fs.
Identifiers: ClinVar variation 1072196 (VCV001072196.7), dbSNP rs1598289920, ClinGen allele CA2499224724.
Genomic context (GRCh38, chr17:50,189,885, plus strand): 5'-GGAGAGGCTCAACAGAGAGGCGGGTGATACTCACAGGGGGACCAGCGCTGCCGCGAGCAC[CTT>C]TGGCTCCAGGAGCACCAACATTACCCTGTAGGAGAGCACAGAGGCATCAAGCCTGGACCC-3'